The following is an entry in ClinVar:

ClinVar aggregate classification (germline): Uncertain significance (1 of 4 stars; one submission).

Conditions:
Combined immunodeficiency due to ORAI1 deficiency. Also called: IMMUNODEFICIENCY 9. Identifiers: Orphanet 169090, Orphanet 317428, MedGen C2748568, MONDO:0013007, OMIM 612782.
Myopathy, tubular aggregate, 2 (TAM2). Identifiers: MedGen C4014557, MONDO:0014383, OMIM 615883.

Allele frequency attached by ClinVar (database versions not stated): gnomAD exomes below 0.00001.

Submission:

Labcorp Genetics (formerly Invitae), Labcorp
Classification: Uncertain significance for Myopathy, tubular aggregate, 2; Combined immunodeficiency due to ORAI1 deficiency. Last evaluated: 2021-09-23. Review status: criteria provided, single submitter. Criteria: Invitae Variant Classification Sherloc (09022015). Collection method: clinical testing. Allele origin: germline.
Comment: The frequency data for this variant in the population databases is considered unreliable, as metrics indicate insufficient coverage at this position in the ExAC database. This variant has not been reported in the literature in individuals affected with ORAI1-related conditions. Experimental studies and prediction algorithms are not available or were not evaluated, and the functional significance of this variant is currently unknown. In summary, the available evidence is currently insufficient to determine the role of this variant in disease. Therefore, it has been classified as a Variant of Uncertain Significance. This sequence change replaces serine with arginine at codon 12 of the ORAI1 protein (p.Ser12Arg). The serine residue is weakly conserved and there is a moderate physicochemical difference between serine and arginine.

NC_000012.12:g.121626776A>C

Genes: ORAI1 (ORAI calcium release-activated calcium modulator 1; plus strand), LOC130008987 (ATAC-STARR-seq lymphoblastoid silent region 4981; plus strand). Cytogenetic location: 12q24.31.
Variant type: single nucleotide variant.
Genome position: GRCh38 VCF-style: chr12-121626776-A-C. GRCh37 (hg19) VCF-style: chr12-122064681-A-C.
Other names: c.34A>C, p.Ser12Arg (NM_032790.4); short protein forms S12R.
Identifiers: ClinVar variation 1478545 (VCV001478545.6), dbSNP rs1349225419, ClinGen allele CA386980307.
Genomic context (GRCh38, chr12:121,626,776, plus strand): 5'-CCGGCCCGCGCCTCGGCGGCGTGCTCCATGCATCCGGAGCCCGCCCCGCCCCCGAGCCGC[A>C]GCAGTCCCGAGCTTCCCCCAAGCGGCGGCAGCACCACCAGCGGCAGCCGCCGGAGCCGCC-3'